The following is an entry in ClinVar:

ClinVar aggregate classification (germline): Likely benign. Review status: criteria provided, multiple submitters, no conflicts (2 of 4 stars). 2 submissions from 2 submitters: Likely benign (2). Last evaluated 2025-04-04.

gnomAD v4.1: 13 of 1,613,224 alleles (0.00081%); highest among the groups gnomAD compares: Middle Eastern, 0.016%; no homozygotes.

Submissions (2):

Women's Health and Genetics/Laboratory Corporation of America, LabCorp
Classification: Likely benign. Last evaluated: 2025-04-04. Review status: criteria provided, single submitter. Criteria: LabCorp Variant Classification Summary - May 2015. Collection method: clinical testing. Allele origin: germline.
Comment: Variant summary: ZNF687 c.576G>A alters a conserved nucleotide resulting in a synonymous change. Consensus agreement among computation tools predict no significant impact on normal splicing. However, these predictions have yet to be confirmed by functional studies. The variant allele was found at a frequency of 1.6e-05 in 250312 control chromosomes. The available data on variant occurrences in the general population are insufficient to allow any conclusion about variant significance. To our knowledge, no occurrence of c.576G>A in individuals affected with Paget Disease Of Bone 6 and no experimental evidence demonstrating its impact on protein function have been reported. ClinVar contains an entry for this variant (Variation ID: 3624022). Based on the evidence outlined above, the variant was classified as likely benign.

Labcorp Genetics (formerly Invitae), Labcorp
Classification: Likely benign. Last evaluated: 2024-12-04. Review status: criteria provided, single submitter. Criteria: Invitae Variant Classification Sherloc (09022015). Collection method: clinical testing. Allele origin: germline.

NM_020832.3(ZNF687):c.576G>A (p.Pro192=)

Gene: ZNF687 (zinc finger protein 687; plus strand). Cytogenetic location: 1q21.3.
Variant type: single nucleotide variant.
Coding change: c.576G>A on transcript NM_020832.3 (MANE Select); coding-DNA position 576, G replaced by A.
Protein change: p.Pro192=; no amino-acid change (proline 192 retained).
Molecular consequence: synonymous variant.
Genome position (GRCh38, 1-based): chr1:151,286,867, G>A. VCF-style: chr1-151286867-G-A. GRCh37 (hg19) VCF-style: chr1-151259343-G-A.
Other names: c.576G>A, p.Pro192= (NM_001304763.2, NM_001304764.2).
Identifiers: ClinVar variation 3624022 (VCV003624022.4).
Genomic context (GRCh38, chr1:151,286,867, plus strand): 5'-CCACTCAGATCCGCTGCCTCCCTCTGCACCCTCTCCCACTCGGGAGGGGGCTCTGACCCC[G>A]CCTCCTTTCCCCTCTTCCTTTGAGCTGGCCCAGGAGAATGGCCCAGGCATGCAGCCACCT-3'
Protein context (NP_065883.1, residues 182-202): PSPTREGALT[Pro192=]PPFPSSFELA